The following is an entry in ClinVar:

NM_152383.5(DIS3L2):c.1285G>A (p.Glu429Lys)

Gene: DIS3L2 (DIS3 like 3'-5' exoribonuclease 2; plus strand). Cytogenetic location: 2q37.1.
Variant type: single nucleotide variant.
Coding change: c.1285G>A on transcript NM_152383.5 (MANE Select); coding-DNA position 1285, G replaced by A.
Protein change: p.Glu429Lys; replaces glutamic acid 429 with lysine.
Molecular consequence: missense variant. On other transcripts: non-coding transcript variant (2).
Genome position (GRCh38, 1-based): chr2:232,238,613, G>A. VCF-style: chr2-232238613-G-A. GRCh37 (hg19) VCF-style: chr2-233103323-G-A.
Other names: c.1285G>A, p.Glu429Lys (NM_001257281.2); short protein forms E429K.
Identifiers: ClinVar variation 463055 (VCV000463055.14), dbSNP rs750852437, ClinGen allele CA2164098.

ClinVar aggregate classification (germline): Uncertain significance. Review status: criteria provided, multiple submitters, no conflicts (2 of 4 stars). 4 submissions from 4 submitters: Uncertain significance (4). Last evaluated 2025-08-04.

Conditions:
Perlman syndrome (PRLMNS). Identifiers: Orphanet 2849, MedGen C0796113, MONDO:0009965, OMIM 267000.

Allele frequency attached by ClinVar (database versions not stated): gnomAD 0.00001; TOPMed 0.00013.
gnomAD v4.1: 76 of 1,614,062 alleles (0.0047%); highest among the groups gnomAD compares: Admixed American, 0.12%; no homozygotes.

Submissions (4):

Labcorp Genetics (formerly Invitae), Labcorp
Classification: Uncertain significance for Perlman syndrome. Last evaluated: 2025-08-04. Review status: criteria provided, single submitter. Criteria: Invitae Variant Classification Sherloc (09022015). Collection method: clinical testing. Allele origin: germline.
Comment: This sequence change replaces glutamic acid, which is acidic and polar, with lysine, which is basic and polar, at codon 429 of the DIS3L2 protein (p.Glu429Lys). This variant is present in population databases (rs750852437, gnomAD 0.2%). This variant has not been reported in the literature in individuals affected with DIS3L2-related conditions. ClinVar contains an entry for this variant (Variation ID: 463055). Invitae Evidence Modeling of protein sequence and biophysical properties (such as structural, functional, and spatial information, amino acid conservation, physicochemical variation, residue mobility, and thermodynamic stability) indicates that this missense variant is not expected to disrupt DIS3L2 protein function with a negative predictive value of 80%. In summary, the available evidence is currently insufficient to determine the role of this variant in disease. Therefore, it has been classified as a Variant of Uncertain Significance.

Revvity Omics, Revvity
Classification: Uncertain significance for Perlman syndrome. Last evaluated: 2021-08-30. Review status: criteria provided, single submitter. Criteria: ACMG Guidelines, 2015. Collection method: clinical testing. Allele origin: germline.

Baylor Genetics
Classification: Uncertain significance for Perlman syndrome. Last evaluated: 2019-05-08. Review status: criteria provided, single submitter. Criteria: ACMG Guidelines, 2015. Collection method: clinical testing. Allele origin: unknown. Affected: yes. Study: CSER-TexasKidsCanSeq.
Comment: This variant was determined to be of uncertain significance according to ACMG Guidelines, 2015 [PMID:25741868].

Fulgent Genetics
Classification: Uncertain significance for Perlman syndrome. Last evaluated: 2018-10-31. Review status: criteria provided, single submitter. Criteria: ACMG Guidelines, 2015. Collection method: clinical testing. Allele origin: unknown.